The following is an entry in ClinVar:

NM_001038603.3(MARVELD2):c.1160C>G (p.Ser387Ter)

Gene: MARVELD2 (MARVEL domain containing 2; plus strand). Cytogenetic location: 5q13.2.
Variant type: single nucleotide variant.
Coding change: c.1160C>G on transcript NM_001038603.3 (MANE Select); coding-DNA position 1160, C replaced by G.
Protein change: p.Ser387Ter; replaces serine 387 with a stop codon.
Molecular consequence: nonsense. On other transcripts: intron variant (1).
Genome position (GRCh38, 1-based): chr5:69,424,614, C>G. VCF-style: chr5-69424614-C-G. GRCh37 (hg19) VCF-style: chr5-68720441-C-G.
Other names: c.1146+4083C>G (NM_001244734.2); short protein forms S387*.
Identifiers: ClinVar variation 620321 (VCV000620321.2), dbSNP rs1336624126, ClinGen allele CA359926035.

ClinVar aggregate classification (germline): Pathogenic (1 of 4 stars; one submission).

Allele frequency attached by ClinVar (database versions not stated): gnomAD exomes below 0.00001; gnomAD 0.00001; TOPMed 0.00001.
gnomAD v4.1: 3 of 1,603,748 alleles (0.00019%); highest among the groups gnomAD compares: Non-Finnish European, 0.00026%; no homozygotes.

Submission:

GeneDx
Classification: Pathogenic. Last evaluated: 2024-05-08. Review status: criteria provided, single submitter. Criteria: GeneDx Variant Classification Process June 2021. Collection method: clinical testing. Allele origin: germline. Affected: yes.
Comment: Nonsense variant predicted to result in protein truncation or nonsense mediated decay in a gene for which loss of function is a known mechanism of disease; Not observed at significant frequency in large population cohorts (gnomAD); Has not been previously published as pathogenic or benign to our knowledge